The following is an entry in ClinVar:

NM_173495.3(PTCHD1):c.801A>C (p.Val267=)

Gene: PTCHD1 (patched domain containing 1; plus strand). Cytogenetic location: Xp22.11.
Variant type: single nucleotide variant.
Coding change: c.801A>C on transcript NM_173495.3 (MANE Select); coding-DNA position 801, A replaced by C.
Protein change: p.Val267=; no amino-acid change (valine 267 retained).
Molecular consequence: synonymous variant.
Genome position (GRCh38, 1-based): chrX:23,380,040, A>C. VCF-style: chrX-23380040-A-C. GRCh37 (hg19) VCF-style: chrX-23398157-A-C.
Identifiers: ClinVar variation 2660166 (VCV002660166.24), dbSNP rs778929986, ClinGen allele CA10369070.

ClinVar aggregate classification (germline): Likely benign (1 of 4 stars; one submission).

Allele frequency attached by ClinVar (database versions not stated): ExAC 0.00001; gnomAD exomes 0.00001; TOPMed 0.00001.
gnomAD v4.1: 10 of 1,211,862 alleles (0.00083%); highest among the groups gnomAD compares: Admixed American, 0.0022%; no homozygotes.

Submission:

CeGaT Center for Human Genetics Tuebingen
Classification: Likely benign. Last evaluated: 2023-06-01. Review status: criteria provided, single submitter. Criteria: CeGaT Center For Human Genetics Tuebingen Variant Classification Criteria Version 2. Collection method: clinical testing. Allele origin: germline. Affected: yes. Observed: 2 variant alleles.
Comment: PTCHD1: BP4, BP7, BS2